The following is an entry in ClinVar:

ClinVar aggregate classification (germline): Uncertain significance (1 of 4 stars; one submission).

Conditions:
Autosomal recessive limb-girdle muscular dystrophy type 2J (LGMDR10). Also called: Limb-girdle muscular dystrophy, type 2J; MUSCULAR DYSTROPHY, LIMB-GIRDLE, AUTOSOMAL RECESSIVE 10. Identifiers: Orphanet 140922, MedGen C1837342, MONDO:0012127, OMIM 608807.
Dilated cardiomyopathy 1G (CMD1G). Identifiers: Orphanet 154, MedGen C1858763, MONDO:0011400, OMIM 604145.

Submission:

Labcorp Genetics (formerly Invitae), Labcorp
Classification: Uncertain significance for Dilated cardiomyopathy 1G; Autosomal recessive limb-girdle muscular dystrophy type 2J. Last evaluated: 2023-04-25. Review status: criteria provided, single submitter. Criteria: Invitae Variant Classification Sherloc (09022015). Collection method: clinical testing. Allele origin: unknown.
Comment: In summary, the available evidence is currently insufficient to determine the role of this variant in disease. Therefore, it has been classified as a Variant of Uncertain Significance. This variant disrupts the I band of TTN (PMID: 25589632). Copy number variants in TTN have been previously reported in individuals affected with neuromuscular disorders (PMID: 29792937, 30238059), but the functional significance of this variant is currently unknown. This variant has not been reported in the literature in individuals affected with TTN-related conditions. This variant is a gross deletion of the genomic region encompassing exon(s) 202-204 of the TTN gene. This deletion extends beyond the assayed region for this gene. This variant would be expected to be in-frame, preserving the integrity of the reading frame.

Literature cited by the submitters: PubMed 25589632; PubMed 29792937; PubMed 30238059.

NC_000002.11:g.(?_179516803)_(179518254_?)del

Gene: TTN (titin; minus strand). Cytogenetic location: 2q31.2.
Variant type: Deletion.
Identifiers: ClinVar variation 3247284 (VCV003247284.1).